The following is an entry in ClinVar:

ClinVar aggregate classification (germline): Benign. Review status: criteria provided, multiple submitters, no conflicts (2 of 4 stars). 2 submissions from 2 submitters: Benign (2). Last evaluated 2018-01-12.

Conditions:
CEDNIK syndrome. Also called: CEREBRAL DYSGENESIS, NEUROPATHY, ICHTHYOSIS, AND PALMOPLANTAR KERATODERMA SYNDROME; Cerebral dysgenesis, neuropathy, ichthyosis, and palmoplantar keratoderma. Identifiers: Orphanet 66631, MedGen C1836033, MONDO:0012290, OMIM 609528.

Allele frequency attached by ClinVar (database versions not stated): gnomAD exomes 0.05230; gnomAD 0.13340 and 0.14080; 1000 Genomes Project 0.15495.
gnomAD v4.1: 6,621 of 57,046 alleles (12%); highest among the groups gnomAD compares: African/African-American, 45%; 466 homozygotes.

Submissions (2):

Illumina Laboratory Services, Illumina
Classification: Benign for CEDNIK syndrome. Last evaluated: 2018-01-12. Review status: criteria provided, single submitter. Criteria: ICSL Variant Classification Criteria 13 December 2019. Collection method: clinical testing. Allele origin: germline.
Comment: This variant was observed in the ICSL laboratory as part of a predisposition screen in an ostensibly healthy population. It had not been previously curated by ICSL or reported in the Human Gene Mutation Database (HGMD: prior to June 1st, 2018), and was therefore a candidate for classification through an automated scoring system. Utilizing variant allele frequency, disease prevalence and penetrance estimates, and inheritance mode, an automated score was calculated to assess if this variant is too frequent to cause the disease. Based on the score and internal cut-off values, a variant classified as benign is not then subjected to further curation. The score for this variant resulted in a classification of benign for this disease.

Breakthrough Genomics
Classification: Benign. Review status: criteria provided, single submitter. Criteria: ACMG Guidelines, 2015. Collection method: not provided. Allele origin: germline. Inheritance: Autosomal recessive inheritance. Affected: yes.

NM_004782.4(SNAP29):c.*521T>A

Gene: SNAP29 (synaptosome associated protein 29; plus strand). Cytogenetic location: 22q11.21.
Variant type: single nucleotide variant.
Coding change: c.*521T>A on transcript NM_004782.4 (MANE Select); 521 bases downstream of the stop codon, T replaced by A.
Molecular consequence: 3 prime UTR variant.
Genome position (GRCh38, 1-based): chr22:20,888,357, T>A. VCF-style: chr22-20888357-T-A. GRCh37 (hg19) VCF-style: chr22-21242645-T-A.
Identifiers: ClinVar variation 340854 (VCV000340854.6), dbSNP rs361998, ClinGen allele CA10653881.